The following is an entry in ClinVar:

ClinVar aggregate classification (germline): Uncertain significance. Review status: criteria provided, multiple submitters, no conflicts (2 of 4 stars). 3 submissions from 3 submitters: Uncertain significance (3). Last evaluated 2026-05-07.

Conditions:
SCN11A-related disorder. Also called: SCN11A-related condition.
Hereditary sensory and autonomic neuropathy type 7. Also called: Neuropathy, hereditary sensory and autonomic, type VII; HSAN VII. Identifiers: Orphanet 391397, MedGen C3809882, MONDO:0014244, OMIM 615548.
Familial episodic pain syndrome with predominantly lower limb involvement. Also called: Episodic pain syndrome, familial, 3. Identifiers: Orphanet 391384, Orphanet 391392, MedGen C3809899, MONDO:0014247, OMIM 615552.

Allele frequency attached by ClinVar (database versions not stated): gnomAD exomes below 0.00001 and 0.00001; TOPMed below 0.00001; ExAC 0.00001.
gnomAD v4.1: 11 of 1,613,916 alleles (0.00068%); highest among the groups gnomAD compares: Admixed American, 0.0017%; no homozygotes.

Submissions (3):

PreventionGenetics, part of Exact Sciences
Classification: Uncertain significance for SCN11A-related condition. Last evaluated: 2026-05-07. Review status: criteria provided, single submitter. Criteria: ACMG Guidelines, 2015. Collection method: clinical testing. Allele origin: germline.
Comment: The SCN11A c.4433G>A variant is predicted to result in the amino acid substitution p.Arg1478Gln. To our knowledge, this variant has not been reported in the literature. This variant is reported in 0.0040% of alleles in individuals of African descent in gnomAD. At this time, the clinical significance of this variant is uncertain due to the absence of conclusive functional and genetic evidence.

CeGaT Center for Human Genetics Tuebingen
Classification: Uncertain significance. Last evaluated: 2025-09-01. Review status: criteria provided, single submitter. Criteria: CeGaT Center For Human Genetics Tuebingen Variant Classification Criteria Version 2. Collection method: clinical testing. Allele origin: germline. Affected: yes. Observed: 1 variant allele.

Labcorp Genetics (formerly Invitae), Labcorp
Classification: Uncertain significance for Familial episodic pain syndrome with predominantly lower limb involvement; Hereditary sensory and autonomic neuropathy type 7. Last evaluated: 2024-01-25. Review status: criteria provided, single submitter. Criteria: Invitae Variant Classification Sherloc (09022015). Collection method: clinical testing. Allele origin: germline.
Comment: This sequence change replaces arginine, which is basic and polar, with glutamine, which is neutral and polar, at codon 1478 of the SCN11A protein (p.Arg1478Gln). This variant is present in population databases (rs758597298, gnomAD 0.004%). This variant has not been reported in the literature in individuals affected with SCN11A-related conditions. ClinVar contains an entry for this variant (Variation ID: 474729). Advanced modeling of protein sequence and biophysical properties (such as structural, functional, and spatial information, amino acid conservation, physicochemical variation, residue mobility, and thermodynamic stability) performed at Invitae indicates that this missense variant is expected to disrupt SCN11A protein function with a positive predictive value of 80%. In summary, the available evidence is currently insufficient to determine the role of this variant in disease. Therefore, it has been classified as a Variant of Uncertain Significance.

NM_001349253.2(SCN11A):c.4433G>A (p.Arg1478Gln)

Gene: SCN11A (sodium voltage-gated channel alpha subunit 11; minus strand). Cytogenetic location: 3p22.2.
Variant type: single nucleotide variant.
Coding change: c.4433G>A on transcript NM_001349253.2 (MANE Select); coding-DNA position 4433, G replaced by A.
Protein change: p.Arg1478Gln; replaces arginine 1478 with glutamine.
Molecular consequence: missense variant.
Genome position (GRCh38, 1-based): chr3:38,847,637, C>T on the plus strand (G>A on the coding strand, the complement: SCN11A is on the minus strand). VCF-style: chr3-38847637-C-T. GRCh37 (hg19) VCF-style: chr3-38889128-C-T.
Other names: c.4433G>A, p.Arg1478Gln (NM_014139.3); short protein forms R1478Q.
Identifiers: ClinVar variation 474729 (VCV000474729.13), dbSNP rs758597298, ClinGen allele CA2321514.